The following is an entry in ClinVar:

NM_058216.3(RAD51C):c.37G>T (p.Asp13Tyr)

Gene: RAD51C (RAD51 paralog C; plus strand). Cytogenetic location: 17q22.
Variant type: single nucleotide variant.
Coding change: c.37G>T on transcript NM_058216.3 (MANE Select); coding-DNA position 37, G replaced by T.
Protein change: p.Asp13Tyr; replaces aspartic acid 13 with tyrosine.
Molecular consequence: missense variant. On other transcripts: non-coding transcript variant (2).
Genome position (GRCh38, 1-based): chr17:58,692,680, G>T. VCF-style: chr17-58692680-G-T. GRCh37 (hg19) VCF-style: chr17-56770041-G-T.
Other names: c.37G>T, p.Asp13Tyr (NM_002876.4, NM_058217.1); short protein forms D13Y.
Identifiers: ClinVar variation 2574680 (VCV002574680.3), dbSNP rs1060502603, ClinGen allele CA400336506.

ClinVar aggregate classification (germline): Uncertain significance. Review status: criteria provided, multiple submitters, no conflicts (2 of 4 stars). 2 submissions from 2 submitters: Uncertain significance (2). Last evaluated 2025-07-12.

Conditions:
Hereditary cancer-predisposing syndrome. Also called: Hereditary neoplastic syndrome; Hereditary Cancer Syndrome; Neoplastic Syndromes, Hereditary; Tumor predisposition. Identifiers: Orphanet 140162, MedGen C0027672, MeSH D009386, MONDO:0015356.
Breast-ovarian cancer, familial, susceptibility to, 3. Also called: RAD51C-Related Breast/Ovarian Cancer. Identifiers: Orphanet 145, MedGen C3150659, MONDO:0013253, OMIM 613399.

Allele frequency attached by ClinVar (database versions not stated): gnomAD exomes below 0.00001.
gnomAD v4.1: 1 of 1,614,256 alleles (0.000062%); highest among the groups gnomAD compares: Non-Finnish European, 0.000085%; no homozygotes.

Submissions (2):

Ambry Genetics
Classification: Uncertain significance for Hereditary cancer-predisposing syndrome. Last evaluated: 2025-07-12. Review status: criteria provided, single submitter. Criteria: Ambry Variant Classification Scheme 2023. Collection method: clinical testing. Allele origin: germline.
Comment: The p.D13Y variant (also known as c.37G>T), located in coding exon 1 of the RAD51C gene, results from a G to T substitution at nucleotide position 37. The aspartic acid at codon 13 is replaced by tyrosine, an amino acid with highly dissimilar properties. This amino acid position is conserved. In addition, this alteration is predicted to be tolerated by in silico analysis. Based on the available evidence, the clinical significance of this variant remains unclear.

KCCC/NGS Laboratory, Kuwait Cancer Control Center
Classification: Uncertain significance for Breast-ovarian cancer, familial, susceptibility to, 3. Last evaluated: 2023-08-07. Review status: criteria provided, single submitter. Criteria: ACMG Guidelines, 2015. Collection method: clinical testing. Allele origin: germline. Inheritance: Autosomal dominant inheritance. Affected: yes. Observed: 1 heterozygote.
Comment: This sequence change replaces aspartic acid with tyrosine at codon 13 of the RAD51C protein (p.Asp13Tyr). The aspartic acid residue is weakly conserved (PhyloP=2.6). This variant is not present in population databases (gnomAD no frequency). This variant has not been reported in the literature in individuals affected with RAD51C-related conditions. ClinVar not contains an entry for this variant but same amino acid reported in clinvar p.Asp13His (ID: 409863) and p.Asp13Asn (ID: 568432) . In-silico predictions show benign computational verdict based on BayesDel_addAF, DANN, EIGEN, FATHMM-MKL, LIST-S2, MVP, MutationAssessor MutationTaster, , PolyPhen and M-CAP. In summary, the available evidence is currently insufficient to determine the role of this variant in disease. Therefore, it has been classified as a Variant of Uncertain Significance.